The following is an entry in ClinVar:

NM_007294.4(BRCA1):c.3060A>G (p.Pro1020=)

Gene: BRCA1 (BRCA1 DNA repair associated; minus strand). Cytogenetic location: 17q21.31.
Variant type: single nucleotide variant.
Coding change: c.3060A>G on transcript NM_007294.4 (MANE Select); coding-DNA position 3060, A replaced by G.
Protein change: p.Pro1020=; no amino-acid change (proline 1020 retained).
Molecular consequence: synonymous variant. On other transcripts: intron variant (137).
Genome position (GRCh38, 1-based): chr17:43,092,471, T>C on the plus strand (A>G on the coding strand, the complement: BRCA1 is on the minus strand). VCF-style: chr17-43092471-T-C. GRCh37 (hg19) VCF-style: chr17-41244488-T-C.
Other names: c.785-1439A>G (NM_001408392.1, NM_001407986.1, NM_001407972.1 and 13 more transcripts); c.665-1439A>G (NM_001408441.1, NM_001408437.1, NM_001408429.1 and 12 more transcripts); c.788-1439A>G (NM_001407979.1, NM_001407977.1, NM_001407982.1 and 17 more transcripts); c.647-1439A>G (NM_001408410.1, NM_001408458.1, NM_001408469.1 and 11 more transcripts); c.710-1439A>G (NM_001408415.1, NM_001408412.1, NM_001408409.1 and 2 more transcripts); c.578-1439A>G (NM_001408483.1, NM_001408481.1, NM_001408480.1 and 9 more transcripts); c.2847A>G, p.Pro949= (NM_001407571.1, NM_001407853.1, NM_001407894.1 and 9 more transcripts); c.3060A>G, p.Pro1020= (NM_001407581.1, NM_001407582.1, NM_001407583.1 and 30 more transcripts); and 41 more.
Identifiers: ClinVar variation 184695 (VCV000184695.28), dbSNP rs781435355, ClinGen allele CA002010.

ClinVar aggregate classification (germline): Likely benign. Review status: reviewed by expert panel (3 of 4 stars). 7 submissions from 7 submitters: Likely benign (1). 6 of the submissions do not count toward it. Last evaluated 2017-06-29.

Conditions:
Hereditary breast ovarian cancer syndrome. Also called: Hereditary breast and ovarian cancer syndrome; Hereditary breast and ovarian cancer syndrome (HBOC); BRCA1- and BRCA2-Associated Hereditary Breast and Ovarian Cancer; Breast and ovarian cancer; Hereditary breast and ovarian cancer; Hereditary breast and/or ovarian cancer syndrome. Identifiers: Orphanet 145, MedGen C0677776, MeSH D061325, MONDO:0003582. Disease mechanism: loss of function.
Breast-ovarian cancer, familial, susceptibility to, 1 (BROVCA1). Also called: OVARIAN CANCER, SUSCEPTIBILITY TO; BRCA1 Hereditary Breast and Ovarian Cancer. Identifiers: Orphanet 145, MedGen C2676676, MONDO:0011450, OMIM 604370. Disease mechanism: loss of function.
Hereditary cancer-predisposing syndrome. Also called: Hereditary Cancer Syndrome; Hereditary neoplastic syndrome; Tumor predisposition; Neoplastic Syndromes, Hereditary. Identifiers: Orphanet 140162, MedGen C0027672, MeSH D009386, MONDO:0015356.

Allele frequency attached by ClinVar (database versions not stated): gnomAD exomes below 0.00001; ExAC 0.00001; gnomAD 0.00001; TOPMed 0.00002.
gnomAD v4.1: 5 of 1,613,916 alleles (0.00031%); highest among the groups gnomAD compares: East Asian, 0.011%; no homozygotes.

Submissions (7):

Evidence-based Network for the Interpretation of Germline Mutant Alleles (ENIGMA)
Classification: Likely benign for Breast-ovarian cancer, familial, susceptibility to, 1. Last evaluated: 2017-06-29. Review status: reviewed by expert panel. Criteria: ENIGMA BRCA1/2 Classification Criteria (2017-06-29). Collection method: curation. Allele origin: germline.
Comment: Synonymous substitution variant, with low bioinformatic likelihood to result in a splicing aberration (Splicing prior probability 0.02).

Labcorp Genetics (formerly Invitae), Labcorp
Classification: Likely benign for Hereditary breast ovarian cancer syndrome. Last evaluated: 2026-01-27. Review status: criteria provided, single submitter. Criteria: Invitae Variant Classification Sherloc (09022015). Collection method: clinical testing. Allele origin: germline. Not counted in ClinVar's aggregate classification.

Quest Diagnostics Nichols Institute San Juan Capistrano
Classification: Likely benign. Last evaluated: 2021-08-03. Review status: criteria provided, single submitter. Criteria: Quest Diagnostics criteria. Collection method: clinical testing. Allele origin: unknown. Not counted in ClinVar's aggregate classification.

Women's Health and Genetics/Laboratory Corporation of America, LabCorp
Classification: Likely benign. Last evaluated: 2021-05-07. Review status: criteria provided, single submitter. Criteria: LabCorp Variant Classification Summary - May 2015. Collection method: clinical testing. Allele origin: germline. Not counted in ClinVar's aggregate classification.

GeneDx
Classification: Likely benign. Last evaluated: 2016-07-18. Review status: criteria provided, single submitter. Criteria: GeneDx Variant Classification (06012015). Collection method: clinical testing. Allele origin: germline. Affected: yes. Not counted in ClinVar's aggregate classification.
Comment: This variant is considered likely benign or benign based on one or more of the following criteria: it is a conservative change, it occurs at a poorly conserved position in the protein, it is predicted to be benign by multiple in silico algorithms, and/or has population frequency not consistent with disease.

Ambry Genetics
Classification: Likely benign for Hereditary cancer-predisposing syndrome. Last evaluated: 2016-07-05. Review status: criteria provided, single submitter. Criteria: Ambry Variant Classification Scheme 2023. Collection method: clinical testing. Allele origin: germline. Not counted in ClinVar's aggregate classification.

Color Diagnostics, LLC DBA Color Health
Classification: Likely benign for Hereditary cancer-predisposing syndrome. Last evaluated: 2015-04-24. Review status: criteria provided, single submitter. Criteria: ACMG Guidelines, 2015. Collection method: clinical testing. Allele origin: germline. Not counted in ClinVar's aggregate classification.

Literature cited by the submitters: PubMed 30702160 (cited by Quest Diagnostics Nichols Institute San Juan Capistrano); PubMed 28692638 (cited by Quest Diagnostics Nichols Institute San Juan Capistrano); PubMed 31825140 (cited by Quest Diagnostics Nichols Institute San Juan Capistrano).